The following is an entry in ClinVar:

ClinVar aggregate classification (germline): Pathogenic/Likely pathogenic. Review status: criteria provided, multiple submitters, no conflicts (2 of 4 stars). 6 submissions from 6 submitters: Pathogenic (4); Likely pathogenic (1). 1 of the submissions does not count toward it. Last evaluated 2025-05-23.

Conditions:
Osteogenesis imperfecta, perinatal lethal (OI2). Also called: Osteogenesis imperfecta type 2; OI, TYPE II; OSTEOGENESIS IMPERFECTA CONGENITA; VROLIK TYPE OF OSTEOGENESIS IMPERFECTA; OSTEOGENESIS IMPERFECTA, TYPE II; Osteogenesis imperfecta, dominant perinatal lethal. Identifiers: Orphanet 216804, MedGen C0268358, MONDO:0008147, OMIM 166210.
Infantile cortical hyperostosis. Also called: Hyperostosis, Cortical, Congenital; Caffey Disease; P1PK BLOOD GROUP SYSTEM, P(2) PHENOTYPE. Identifiers: Orphanet 1310, MedGen C0020497, MONDO:0007244, OMIM 114000.
Combined osteogenesis imperfecta and Ehlers-Danlos syndrome 1. Also called: OIEDS SYNDROME 1. Identifiers: MedGen C5436842, MONDO:0030854, OMIM 619115.
Osteogenesis imperfecta with normal sclerae, dominant form (OI4). Also called: OSTEOGENESIS IMPERFECTA, TYPE IV, WITH DENTINOGENESIS IMPERFECTA; Osteogenesis Imperfecta Type IV; Osteogenesis imperfecta type 4; OSTEOGENESIS IMPERFECTA WITH NORMAL SCLERAE; Common Variable Osteogenesis Imperfecta with Normal Sclerae. Identifiers: Orphanet 216820, Orphanet 666, MedGen C0268363, MONDO:0008148, OMIM 166220.
Osteogenesis imperfecta type III (OI3). Also called: Osteogenesis imperfecta type 3; OI type 3; Osteogenesis imperfecta, progressively deforming with normal sclerae; OI type III; Progressively Deforming Osteogenesis Imperfecta. Identifiers: Orphanet 216812, Orphanet 666, MedGen C0268362, MONDO:0009804, OMIM 259420.
Ehlers-Danlos syndrome, arthrochalasia type. Also called: Ehlers-Danlos syndrome, arthrochalasia type, 1; ARTHROCHALASIS MULTIPLEX CONGENITA; EDS VII, MUTANT PROCOLLAGEN TYPE; EDS VIIA; Ehlers-Danlos syndrome, arthrochalasis type. Identifiers: Orphanet 1899, Orphanet 99875, Orphanet 99876, MedGen C4551623, MONDO:0007525, OMIM 130060.
Osteogenesis imperfecta type I (OI1). Also called: Lobstein's Disease; Lobstein disease; Osteogenesis imperfecta type 1; OI, TYPE I; OSTEOGENESIS IMPERFECTA TARDA; OSTEOGENESIS IMPERFECTA WITH BLUE SCLERAE. Identifiers: Orphanet 216796, Orphanet 666, MedGen C0023931, MONDO:0008146, OMIM 166200. Disease mechanism: loss of function.
Osteoporosis. Identifiers: MedGen C0029456, MONDO:0005298, OMIM 166710, HP:0000939.

Submissions (6):

Clinical Biomedical Laboratory, Shriners Hospital For Children - Canada
Classification: Pathogenic for Osteogenesis imperfecta type I. Last evaluated: 2025-05-23. Review status: criteria provided, single submitter. Criteria: ACMG Guidelines, 2015. Collection method: clinical testing. Allele origin: germline. Affected: yes.
Comment: This variant affects a consensus splice site in COL1A1. Variants affecting esential splice sites in COL1A1 are a typical cause of osteogenesis imperfecta. The variant is not present in the gnomAD database (version 2.1.1). This variant has also been reported in the literature (PubMed: 25963598) as a cause of osteogenesis imperfecta.

3billion
Classification: Pathogenic for Osteogenesis imperfecta type I. Last evaluated: 2024-08-12. Review status: criteria provided, single submitter. Criteria: ACMG Guidelines, 2015. Collection method: clinical testing. Allele origin: germline. Affected: yes.
Comment: The variant is not observed in the gnomAD v4.0.0 dataset. Predicted Consequence/Location: Canonical splice site: predicted to alter splicing and result in a loss or disruption of normal protein function. Multiple pathogenic loss-of-function variants are reported downstream of the variant. In silico tools predict the variant to alter splicing and produce an abnormal transcript [SpliceAI: 1.00 (spliceogenicity >=0.2, non-spliceogenicity <0.1)]. The variant has been reported to be associated with COL1A1-related disorder (ClinVar ID: VCV000425583 /PMID: 25963598). Therefore, this variant is classified as Pathogenic according to the recommendation of ACMG/AMP guideline.

Revvity Omics, Revvity
Classification: Pathogenic. Last evaluated: 2023-08-28. Review status: criteria provided, single submitter. Criteria: ACMG Guidelines, 2015. Collection method: clinical testing. Allele origin: germline.

Fulgent Genetics
Classification: Pathogenic for Infantile cortical hyperostosis; Ehlers-Danlos syndrome, arthrochalasia type; Osteogenesis imperfecta type I; Osteogenesis imperfecta, perinatal lethal; Osteogenesis imperfecta with normal sclerae, dominant form; Osteoporosis; Osteogenesis imperfecta type III; Combined osteogenesis imperfecta and Ehlers-Danlos syndrome 1. Last evaluated: 2021-09-20. Review status: criteria provided, single submitter. Criteria: ACMG Guidelines, 2015. Collection method: clinical testing. Allele origin: unknown.

Juno Genomics, Hangzhou Juno Genomics, Inc
Classification: Likely pathogenic for Osteoporosis; Infantile cortical hyperostosis; Combined osteogenesis imperfecta and Ehlers-Danlos syndrome 1; Ehlers-Danlos syndrome, arthrochalasia type; Osteogenesis imperfecta type I; Osteogenesis imperfecta, perinatal lethal; Osteogenesis imperfecta type III; Osteogenesis imperfecta with normal sclerae, dominant form. Review status: criteria provided, single submitter. Criteria: ACMG Guidelines, 2015. Collection method: clinical testing. Allele origin: germline. Affected: yes.
Comment: Absent from controls (or at extremely low frequency if recessive) in Genome Aggregation Database, Exome Sequencing Project, 1000 Genomes Project, or Exome Aggregation Consortium.;Null variant in a gene where loss of function (LOF) is a known mechanism of disease.;Patient's phenotype or family history is highly specific for a disease with a single genetic etiology.

Department of Medical Sciences, Uppsala University
Classification: Pathogenic for OI type I. Review status: no assertion criteria provided. Collection method: clinical testing. Allele origin: unknown. Affected: yes. Observed: 1 variant allele. Not counted in ClinVar's aggregate classification.

Literature cited by the submitters: PubMed 25963598 (cited by Clinical Biomedical Laboratory, Shriners Hospital For Children - Canada and 3billion); PubMed 25944380 (cited by Department of Medical Sciences, Uppsala University).

NM_000088.4(COL1A1):c.2343+1G>A

Gene: COL1A1 (collagen type I alpha 1 chain; minus strand). Cytogenetic location: 17q21.33.
Variant type: single nucleotide variant.
Coding change: c.2343+1G>A on transcript NM_000088.4 (MANE Select); the canonical splice donor site of the intron after coding-DNA position 2343, G replaced by A.
Molecular consequence: splice donor variant.
Genome position (GRCh38, 1-based): chr17:50,190,816, C>T on the plus strand (G>A on the coding strand, the complement: COL1A1 is on the minus strand). VCF-style: chr17-50190816-C-T. GRCh37 (hg19) VCF-style: chr17-48268177-C-T.
Other names: c.2343+1G>A (LRG_1t1).
Identifiers: ClinVar variation 425583 (VCV000425583.6), dbSNP rs1114167378, ClinGen allele CA400209743.